The following is an entry in ClinVar:

ClinVar aggregate classification (germline): Uncertain significance (1 of 4 stars; one submission).

Allele frequency attached by ClinVar (database versions not stated): gnomAD exomes 0.00003; TOPMed 0.00003; ExAC 0.00004; gnomAD 0.00004 and 0.00005.
gnomAD v4.1: 53 of 1,611,596 alleles (0.0033%); highest among the groups gnomAD compares: Non-Finnish European, 0.0039%; no homozygotes.

Submission:

Labcorp Genetics (formerly Invitae), Labcorp
Classification: Uncertain significance. Last evaluated: 2025-01-20. Review status: criteria provided, single submitter. Criteria: Invitae Variant Classification Sherloc (09022015). Collection method: clinical testing. Allele origin: germline.
Comment: This sequence change replaces threonine, which is neutral and polar, with isoleucine, which is neutral and non-polar, at codon 337 of the CARMIL2 protein (p.Thr337Ile). This variant is present in population databases (rs766442954, gnomAD 0.007%). This variant has not been reported in the literature in individuals affected with CARMIL2-related conditions. ClinVar contains an entry for this variant (Variation ID: 1367690). Invitae Evidence Modeling of protein sequence and biophysical properties (such as structural, functional, and spatial information, amino acid conservation, physicochemical variation, residue mobility, and thermodynamic stability) indicates that this missense variant is not expected to disrupt CARMIL2 protein function with a negative predictive value of 80%. In summary, the available evidence is currently insufficient to determine the role of this variant in disease. Therefore, it has been classified as a Variant of Uncertain Significance.

NM_001013838.3(CARMIL2):c.1010C>T (p.Thr337Ile)

Gene: CARMIL2 (capping protein regulator and myosin 1 linker 2; plus strand). Cytogenetic location: 16q22.1.
Variant type: single nucleotide variant.
Coding change: c.1010C>T on transcript NM_001013838.3 (MANE Select); coding-DNA position 1010, C replaced by T.
Protein change: p.Thr337Ile; replaces threonine 337 with isoleucine.
Molecular consequence: missense variant.
Genome position (GRCh38, 1-based): chr16:67,647,897, C>T. VCF-style: chr16-67647897-C-T. GRCh37 (hg19) VCF-style: chr16-67681800-C-T.
Other names: c.1010C>T, p.Thr337Ile (NM_001317026.3); short protein forms T337I.
Identifiers: ClinVar variation 1367690 (VCV001367690.8), dbSNP rs766442954, ClinGen allele CA8113310.